The following is an entry in ClinVar:

ClinVar aggregate classification (germline): Uncertain significance (1 of 4 stars; one submission).

Submission:

GeneDx
Classification: Uncertain significance. Last evaluated: 2021-04-22. Review status: criteria provided, single submitter. Criteria: GeneDx Variant Classification Process June 2021. Collection method: clinical testing. Allele origin: germline. Affected: yes.
Comment: Not observed in large population cohorts (Lek et al., 2016); In silico analysis supports that this missense variant has a deleterious effect on protein structure/function; Has not been previously published as pathogenic or benign to our knowledge

NM_005413.4(SIX3):c.716T>G (p.Leu239Arg)

Gene: SIX3 (SIX homeobox 3; plus strand). Cytogenetic location: 2p21.
Variant type: single nucleotide variant.
Coding change: c.716T>G on transcript NM_005413.4 (MANE Select); coding-DNA position 716, T replaced by G.
Protein change: p.Leu239Arg; replaces leucine 239 with arginine.
Molecular consequence: missense variant.
Genome position (GRCh38, 1-based): chr2:44,942,820, T>G. VCF-style: chr2-44942820-T-G. GRCh37 (hg19) VCF-style: chr2-45169959-T-G.
Other names: short protein forms L239R.
Identifiers: ClinVar variation 1315659 (VCV001315659.2), dbSNP rs2103642497, ClinGen allele CA346800212.
Genomic context (GRCh38, chr2:44,942,820, plus strand): 5'-GCCTGTTGCGGGAGTGGTACCTACAGGACCCCTACCCCAACCCCAGCAAGAAACGCGAAC[T>G]GGCGCAGGCCACCGGCCTCACTCCCACACAAGTAGGCAACTGGTTTAAGAACCGGCGGCA-3'
Protein context (NP_005404.1, residues 229-249): PYPNPSKKRE[Leu239Arg]AQATGLTPTQ